The following is an entry in ClinVar:

NM_006521.6(TFE3):c.129G>C (p.Leu43Phe)

Gene: TFE3 (transcription factor binding to IGHM enhancer 3; minus strand). Cytogenetic location: Xp11.23.
Variant type: single nucleotide variant.
Coding change: c.129G>C on transcript NM_006521.6 (MANE Select); coding-DNA position 129, G replaced by C.
Protein change: p.Leu43Phe; replaces leucine 43 with phenylalanine.
Molecular consequence: missense variant. On other transcripts: 5 prime UTR variant (1).
Genome position (GRCh38, 1-based): chrX:49,040,556, C>G on the plus strand (G>C on the coding strand, the complement: TFE3 is on the minus strand). VCF-style: chrX-49040556-C-G. GRCh37 (hg19) VCF-style: chrX-48898083-C-G.
Other names: c.-122G>C (NM_001282142.2); short protein forms L43F.
Identifiers: ClinVar variation 3363473 (VCV003363473.1).

ClinVar aggregate classification (germline): Uncertain significance (1 of 4 stars; one submission).

gnomAD v4.1: 3 of 1,201,863 alleles (0.00025%); highest among the groups gnomAD compares: African/African-American, 0.0053%; no homozygotes.

Submission:

GeneDx
Classification: Uncertain significance. Last evaluated: 2023-11-02. Review status: criteria provided, single submitter. Criteria: GeneDx Variant Classification Process June 2021. Collection method: clinical testing. Allele origin: germline. Affected: yes.
Comment: Not observed at significant frequency in large population cohorts (gnomAD); In silico analysis supports that this missense variant does not alter protein structure/function; Has not been previously published as pathogenic or benign to our knowledge